The following is an entry in ClinVar:

NM_130897.3(DYNLRB2):c.196C>T (p.Leu66=)

Genes: DYNLRB2 (dynein light chain roadblock-type 2; plus strand), DYNLRB2-AS1 (DYNLRB2 antisense RNA 1; minus strand). Cytogenetic location: 16q23.2.
Variant type: single nucleotide variant.
Coding change: c.196C>T on transcript NM_130897.3 (MANE Select); coding-DNA position 196, C replaced by T.
Protein change: p.Leu66=; no amino-acid change (leucine 66 retained).
Molecular consequence: synonymous variant. On other transcripts: non-coding transcript variant (2).
Genome position (GRCh38, 1-based): chr16:80,549,600, C>T. VCF-style: chr16-80549600-C-T. GRCh37 (hg19) VCF-style: chr16-80583497-C-T.
Other names: c.283C>T, p.Leu95= (NM_001305017.2).
Identifiers: ClinVar variation 402815 (VCV000402815.5), dbSNP rs11866734, ClinGen allele CA8184283.

ClinVar aggregate classification (germline): Benign. Review status: criteria provided, multiple submitters, no conflicts (2 of 4 stars). 2 submissions from 2 submitters: Benign (2). Last evaluated 2016-03-29.

Allele frequency attached by ClinVar (database versions not stated): gnomAD 0.23375 and 0.22494; ESP Exome Variant Server 0.24558; 1000 Genomes Project 0.14976; 1000 Genomes Project 30x 0.15646; TOPMed 0.22733.
gnomAD v4.1: 349,140 of 1,611,236 alleles (22%); highest among the groups gnomAD compares: Middle Eastern, 33%; 40,983 homozygotes.

Submissions (2):

Laboratory for Molecular Medicine, Mass General Brigham Personalized Medicine
Classification: Benign. Last evaluated: 2016-03-29. Review status: criteria provided, single submitter. Criteria: LMM Criteria. Collection method: clinical testing. Allele origin: germline.
Comment: Variant identified in a genome or exome case(s) and assessed due to predicted null impact of the variant or pathogenic assertions in the literature or databases. Disclaimer: This variant has not undergone full assessment. The following are preliminary notes: Frequency

Breakthrough Genomics
Classification: Benign. Review status: criteria provided, single submitter. Criteria: ACMG Guidelines, 2015. Collection method: not provided. Allele origin: germline. Inheritance: Unknown mechanism. Affected: yes.